The following is an entry in ClinVar:

ClinVar aggregate classification (germline): Likely pathogenic (1 of 4 stars; one submission).

Conditions:
Hypophosphatasia. Also called: Phosphoethanol-aminuria. Identifiers: Orphanet 436, MedGen C0020630, MeSH D007014, MONDO:0018570.

Submission:

Genomenon, Inc
Classification: Likely pathogenic for Hypophosphatasia. Last evaluated: 2026-09-01. Review status: criteria provided, single submitter. Criteria: Genomenon Sequence Variant Interpretation Standards - Updated. Collection method: curation. Allele origin: germline. Affected: no.
Comment: ALPL p.Tyr518Ter (c.1554C>A) is a nonsense variant that introduces a premature stop codon at amino acid position 518 and is predicted to result in a truncated protein product. To our knowledge, this variant has not been reported in patients affected with an ALPL-related disorder in the published literature. At least one functional study has demonstrated a substantial alteration in protein function relative to the wild-type (PMID:32160374). It is absent or not present at a significant frequency in gnomAD. In conclusion, we classify ALPL p.Tyr518Ter (c.1554C>A) as a likely pathogenic variant.

Literature cited by the submitters: PubMed 32160374.

NM_000478.6(ALPL):c.1554C>A (p.Tyr518Ter)

Gene: ALPL (alkaline phosphatase, biomineralization associated; plus strand). Cytogenetic location: 1p36.12.
Variant type: single nucleotide variant.
Coding change: c.1554C>A on transcript NM_000478.6 (MANE Select); coding-DNA position 1554, C replaced by A.
Protein change: p.Tyr518Ter; replaces tyrosine 518 with a stop codon.
Molecular consequence: nonsense.
Genome position (GRCh38, 1-based): chr1:21,577,627, C>A. VCF-style: chr1-21577627-C-A. GRCh37 (hg19) VCF-style: chr1-21904120-C-A.
Other names: c.1389C>A, p.Tyr463Ter (NM_001127501.4); c.1323C>A, p.Tyr441Ter (NM_001177520.3); c.1554C>A, p.Tyr518Ter (NM_001369803.2, NM_001369804.2, NM_001369805.2); short protein forms Y441*, Y463*, Y518*.
Identifiers: ClinVar variation 4974798 (VCV004974798.1).